The following is an entry in ClinVar:

NM_000535.7(PMS2):c.789_790delinsTT (p.His264Tyr)

Gene: PMS2 (PMS1 homolog 2, mismatch repair system component; minus strand). Cytogenetic location: 7p22.1.
Variant type: Indel.
Coding change: c.789_790delinsTT on transcript NM_000535.7 (MANE Select); coding-DNA positions 789 to 790, GC replaced by TT.
Protein change: p.His264Tyr; replaces histidine 264 with tyrosine.
Molecular consequence: missense variant. On other transcripts: 5 prime UTR variant (2), non-coding transcript variant (1).
Genome position (GRCh38, 1-based): chr7:5,997,339-5,997,340, GC replaced by AA on the plus strand (GC replaced by TT on the coding strand, the reverse complement: PMS2 is on the minus strand). VCF-style: chr7-5997339-GC-AA. GRCh37 (hg19) VCF-style: chr7-6036970-GC-AA.
Other names: c.384_385delinsTT, p.His129Tyr (NM_001322009.2, NM_001322010.2, NM_001322003.2 and 2 more transcripts); c.-145_-144delinsTT (NM_001322011.2, NM_001322012.2); c.216_217delinsTT, p.His73Tyr (NM_001322013.2); c.789_790delinsTT, p.His264Tyr (NM_001322014.2, NM_001322006.2); c.480_481delinsTT, p.His161Tyr (NM_001322015.2); c.975_976delGCinsTT, p.His326Tyr (NM_001406866.1); c.813_814delGCinsTT, p.His272Tyr (NM_001406868.1); c.681_682delGCinsTT, p.His228Tyr (NM_001406869.1); and 9 more; short protein forms H228Y, H272Y, H326Y, H73Y, H152Y, H158Y, H129Y, H161Y.
Identifiers: ClinVar variation 2055117 (VCV002055117.4), dbSNP rs2536217546, ClinGen allele CA2580076853.

ClinVar aggregate classification (germline): Uncertain significance (1 of 4 stars; one submission).

Conditions:
Hereditary nonpolyposis colorectal neoplasms. Identifiers: MedGen C0009405, MeSH D003123.

Submission:

Labcorp Genetics (formerly Invitae), Labcorp
Classification: Uncertain significance for Hereditary nonpolyposis colorectal neoplasms. Last evaluated: 2021-12-23. Review status: criteria provided, single submitter. Criteria: Invitae Variant Classification Sherloc (09022015). Collection method: clinical testing. Allele origin: germline.
Comment: This sequence change replaces histidine, which is basic and polar, with tyrosine, which is neutral and polar, at codon 264 of the PMS2 protein (p.His264Tyr). Information on the frequency of this variant in the gnomAD database is not available, as this variant may be reported differently in the database. This variant has not been reported in the literature in individuals affected with PMS2-related conditions. Experimental studies and prediction algorithms are not available or were not evaluated, and the functional significance of this variant is currently unknown. In summary, the available evidence is currently insufficient to determine the role of this variant in disease. Therefore, it has been classified as a Variant of Uncertain Significance.